The following is an entry in ClinVar:

ClinVar aggregate classification (germline): Likely benign. Review status: criteria provided, single submitter (1 of 4 stars). 2 submissions from 2 submitters: Likely benign (1). 1 of the submissions does not count toward it. Last evaluated 2024-11-16.

Conditions:
PLXNA1-related disorder. Also called: PLXNA1-related condition.

gnomAD v4.1: 96 of 1,613,620 alleles (0.0059%); highest among the groups gnomAD compares: South Asian, 0.023%; no homozygotes.

Submissions (2):

Labcorp Genetics (formerly Invitae), Labcorp
Classification: Likely benign. Last evaluated: 2024-11-16. Review status: criteria provided, single submitter. Criteria: Invitae Variant Classification Sherloc (09022015). Collection method: clinical testing. Allele origin: germline.

PreventionGenetics, part of Exact Sciences
Classification: Likely benign for PLXNA1-related condition. Last evaluated: 2023-07-12. Review status: no assertion criteria provided. Collection method: clinical testing. Allele origin: germline. Not counted in ClinVar's aggregate classification.
Comment: This variant is classified as likely benign based on ACMG/AMP sequence variant interpretation guidelines (Richards et al. 2015 PMID: 25741868, with internal and published modifications).

NM_032242.4(PLXNA1):c.5085C>T (p.Asp1695=)

Gene: PLXNA1 (plexin A1; plus strand). Cytogenetic location: 3q21.3.
Variant type: single nucleotide variant.
Coding change: c.5085C>T on transcript NM_032242.4 (MANE Select); coding-DNA position 5085, C replaced by T.
Protein change: p.Asp1695=; no amino-acid change (aspartic acid 1695 retained).
Molecular consequence: synonymous variant.
Genome position (GRCh38, 1-based): chr3:127,030,266, C>T. VCF-style: chr3-127030266-C-T. GRCh37 (hg19) VCF-style: chr3-126749109-C-T.
Identifiers: ClinVar variation 3352077 (VCV003352077.3).